The following is an entry in ClinVar:

NM_004667.6(HERC2):c.8740C>T (p.Arg2914Cys)

Gene: HERC2 (HECT and RLD domain containing E3 ubiquitin protein ligase 2; minus strand). Cytogenetic location: 15q13.1.
Variant type: single nucleotide variant.
Coding change: c.8740C>T on transcript NM_004667.6 (MANE Select); coding-DNA position 8740, C replaced by T.
Protein change: p.Arg2914Cys; replaces arginine 2914 with cysteine.
Molecular consequence: missense variant.
Genome position (GRCh38, 1-based): chr15:28,186,662, G>A on the plus strand (C>T on the coding strand, the complement: HERC2 is on the minus strand). VCF-style: chr15-28186662-G-A. GRCh37 (hg19) VCF-style: chr15-28431808-G-A.
Other names: short protein forms R2914C.
Identifiers: ClinVar variation 2432434 (VCV002432434.4), dbSNP rs150853451, ClinGen allele CA7441393.

ClinVar aggregate classification (germline): Uncertain significance. Review status: criteria provided, single submitter (1 of 4 stars). 2 submissions from 2 submitters: Uncertain significance (1). 1 of the submissions does not count toward it. Last evaluated 2019-09-06.

Conditions:
HERC2-related disorder. Also called: HERC2-related condition.

Allele frequency attached by ClinVar (database versions not stated): gnomAD exomes 0.00011; gnomAD 0.00015; ESP Exome Variant Server 0.00023; TOPMed 0.00026; ExAC 0.00032.
gnomAD v4.1: 188 of 1,613,862 alleles (0.012%); highest among the groups gnomAD compares: Admixed American, 0.098%; 1 homozygote.

Submissions (2):

Revvity Omics, Revvity
Classification: Uncertain significance. Last evaluated: 2019-09-06. Review status: criteria provided, single submitter. Criteria: ACMG Guidelines, 2015. Collection method: clinical testing. Allele origin: germline.

PreventionGenetics, part of Exact Sciences
Classification: Likely benign for HERC2-related condition. Last evaluated: 2024-08-21. Review status: no assertion criteria provided. Collection method: clinical testing. Allele origin: germline. Not counted in ClinVar's aggregate classification.
Comment: This variant is classified as likely benign based on ACMG/AMP sequence variant interpretation guidelines (Richards et al. 2015 PMID: 25741868, with internal and published modifications).